The following is an entry in ClinVar:

ClinVar aggregate classification (germline): Conflicting classifications of pathogenicity. Review status: criteria provided, conflicting classifications (1 of 4 stars). 3 submissions from 3 submitters: Uncertain significance (2); Likely benign (1). Last evaluated 2023-01-20.

Allele frequency attached by ClinVar (database versions not stated): TOPMed 0.00001; gnomAD 0.00002; gnomAD exomes 0.00003; ExAC 0.00005; ESP Exome Variant Server 0.00008.
gnomAD v4.1: 85 of 1,596,558 alleles (0.0053%); highest among the groups gnomAD compares: Middle Eastern, 0.017%; no homozygotes.

Submissions (3):

Blueprint Genetics
Classification: Likely benign. Last evaluated: 2023-01-20. Review status: criteria provided, single submitter. Criteria: ACMG Guidelines, 2015. Collection method: clinical testing. Allele origin: germline.

Labcorp Genetics (formerly Invitae), Labcorp
Classification: Uncertain significance. Last evaluated: 2022-06-28. Review status: criteria provided, single submitter. Criteria: Invitae Variant Classification Sherloc (09022015). Collection method: clinical testing. Allele origin: germline.
Comment: This sequence change falls in intron 6 of the COL18A1 gene. It does not directly change the encoded amino acid sequence of the COL18A1 protein. It affects a nucleotide within the consensus splice site. This variant is present in population databases (rs375723411, gnomAD 0.008%). This variant has not been reported in the literature in individuals affected with COL18A1-related conditions. Variants that disrupt the consensus splice site are a relatively common cause of aberrant splicing (PMID: 17576681, 9536098). Experimental studies and prediction algorithms are not available or were not evaluated, and the effect of this variant on mRNA splicing is currently unknown. In summary, the available evidence is currently insufficient to determine the role of this variant in disease. Therefore, it has been classified as a Variant of Uncertain Significance.

Breakthrough Genomics
Classification: Uncertain significance. Review status: criteria provided, single submitter. Criteria: ACMG Guidelines, 2015. Collection method: not provided. Allele origin: germline. Inheritance: Autosomal dominant inheritance. Affected: yes.

Literature cited by the submitters: PubMed 17576681 (cited by Labcorp Genetics (formerly Invitae), Labcorp); PubMed 9536098 (cited by Labcorp Genetics (formerly Invitae), Labcorp).

NM_001379500.1(COL18A1):c.928+5G>C

Gene: COL18A1 (collagen type XVIII alpha 1 chain; plus strand). Cytogenetic location: 21q22.3.
Variant type: single nucleotide variant.
Coding change: c.928+5G>C on transcript NM_001379500.1 (MANE Select); 5 bases into the intron after coding-DNA position 928, G replaced by C.
Molecular consequence: intron variant.
Genome position (GRCh38, 1-based): chr21:45,476,485, G>C. VCF-style: chr21-45476485-G-C. GRCh37 (hg19) VCF-style: chr21-46896399-G-C.
Other names: c.2173+5G>C (NM_130444.3); c.1468+5G>C (NM_030582.4).
Identifiers: ClinVar variation 1446369 (VCV001446369.5), dbSNP rs375723411, ClinGen allele CA10065991.